The following is an entry in ClinVar:

NM_005732.4(RAD50):c.1568A>C (p.Gln523Pro)

Gene: RAD50 (RAD50 double strand break repair protein; plus strand). Cytogenetic location: 5q31.1.
Variant type: single nucleotide variant.
Coding change: c.1568A>C on transcript NM_005732.4 (MANE Select); coding-DNA position 1568, A replaced by C.
Protein change: p.Gln523Pro; replaces glutamine 523 with proline.
Molecular consequence: missense variant.
Genome position (GRCh38, 1-based): chr5:132,591,339, A>C. VCF-style: chr5-132591339-A-C. GRCh37 (hg19) VCF-style: chr5-131927031-A-C.
Other names: short protein forms Q523P.
Identifiers: ClinVar variation 2778885 (VCV002778885.3), dbSNP rs1554098417, ClinGen allele CA360945925.

ClinVar aggregate classification (germline): Uncertain significance (1 of 4 stars; one submission).

Conditions:
Hereditary cancer-predisposing syndrome. Also called: Neoplastic Syndromes, Hereditary; Tumor predisposition; Hereditary Cancer Syndrome; Hereditary neoplastic syndrome. Identifiers: Orphanet 140162, MedGen C0027672, MeSH D009386, MONDO:0015356.

Submission:

Labcorp Genetics (formerly Invitae), Labcorp
Classification: Uncertain significance for Hereditary cancer-predisposing syndrome. Last evaluated: 2022-11-09. Review status: criteria provided, single submitter. Criteria: Invitae Variant Classification Sherloc (09022015). Collection method: clinical testing. Allele origin: germline.
Comment: This sequence change replaces glutamine, which is neutral and polar, with proline, which is neutral and non-polar, at codon 523 of the RAD50 protein (p.Gln523Pro). This variant is not present in population databases (gnomAD no frequency). This variant has not been reported in the literature in individuals affected with RAD50-related conditions. Advanced modeling of protein sequence and biophysical properties (such as structural, functional, and spatial information, amino acid conservation, physicochemical variation, residue mobility, and thermodynamic stability) performed at Invitae indicates that this missense variant is expected to disrupt RAD50 protein function. In summary, the available evidence is currently insufficient to determine the role of this variant in disease. Therefore, it has been classified as a Variant of Uncertain Significance.